The following is an entry in ClinVar:

NM_001161352.2(KCNMA1):c.3334G>A (p.Asp1112Asn)

Genes: KCNMA1 (potassium calcium-activated channel subfamily M alpha 1; minus strand), KCNMA1-AS1 (KCNMA1 antisense RNA 1; plus strand). Cytogenetic location: 10q22.3.
Variant type: single nucleotide variant.
Coding change: c.3334G>A on transcript NM_001161352.2 (MANE Select); coding-DNA position 3334, G replaced by A.
Protein change: p.Asp1112Asn; replaces aspartic acid 1112 with asparagine.
Molecular consequence: missense variant.
Genome position (GRCh38, 1-based): chr10:76,891,533, C>T on the plus strand (G>A on the coding strand, the complement: KCNMA1 is on the minus strand). VCF-style: chr10-76891533-C-T. GRCh37 (hg19) VCF-style: chr10-78651291-C-T.
Other names: c.3172G>A, p.Asp1058Asn (NM_001014797.3); c.3283G>A, p.Asp1095Asn (NM_001161353.2); c.3010G>A, p.Asp1004Asn (NM_001271518.2); c.3250G>A, p.Asp1084Asn (NM_001271519.2); c.3169G>A, p.Asp1057Asn (NM_001322829.2, NM_001322836.2); c.3262G>A, p.Asp1088Asn (NM_001322830.2); c.3160G>A, p.Asp1054Asn (NM_001322832.2, NM_001410940.1, NM_002247.4); c.3253G>A, p.Asp1085Asn (NM_001322835.2, NM_001322837.2); and 1 more; short protein forms D1004N, D1054N, D1057N, D1058N, D1084N, D1085N, D1088N, D1095N.
Identifiers: ClinVar variation 2640613 (VCV002640613.25), dbSNP rs2548186576, ClinGen allele CA377403297.

ClinVar aggregate classification (germline): Uncertain significance. Review status: criteria provided, multiple submitters, no conflicts (2 of 4 stars). 2 submissions from 2 submitters: Uncertain significance (2). Last evaluated 2022-07-27.

Submissions (2):

Blueprint Genetics
Classification: Uncertain significance. Last evaluated: 2022-07-27. Review status: criteria provided, single submitter. Criteria: ACMG Guidelines, 2015. Collection method: clinical testing. Allele origin: germline.

CeGaT Center for Human Genetics Tuebingen
Classification: Uncertain significance. Last evaluated: 2022-05-01. Review status: criteria provided, single submitter. Criteria: CeGaT Center For Human Genetics Tuebingen Variant Classification Criteria Version 2. Collection method: clinical testing. Allele origin: germline. Affected: yes. Observed: 1 variant allele.
Comment: KCNMA1: PM2, PP2